The following is an entry in ClinVar:

NM_000541.5(SAG):c.733+1G>A

Gene: SAG (S-antigen visual arrestin; plus strand). Cytogenetic location: 2q37.1.
Variant type: single nucleotide variant.
Coding change: c.733+1G>A on transcript NM_000541.5 (MANE Select); the canonical splice donor site of the intron after coding-DNA position 733, G replaced by A.
Molecular consequence: splice donor variant.
Genome position (GRCh38, 1-based): chr2:233,329,578, G>A. VCF-style: chr2-233329578-G-A. GRCh37 (hg19) VCF-style: chr2-234238224-G-A.
Identifiers: ClinVar variation 4703881 (VCV004703881.1).

ClinVar aggregate classification (germline): Likely pathogenic (1 of 4 stars; one submission).

Submission:

Labcorp Genetics (formerly Invitae), Labcorp
Classification: Likely pathogenic. Last evaluated: 2026-01-27. Review status: criteria provided, single submitter. Criteria: Invitae Variant Classification Sherloc (09022015). Collection method: clinical testing. Allele origin: germline.
Comment: This sequence change affects a donor splice site in intron 9 of the SAG gene. It is expected to disrupt RNA splicing. Variants that disrupt the donor or acceptor splice site typically lead to a loss of protein function (PMID: 16199547), and loss-of-function variants in SAG are known to be pathogenic (PMID: 9452120, 15234147, 22665972). This variant is not present in population databases (gnomAD no frequency). This variant has not been reported in the literature in individuals affected with SAG-related conditions. Algorithms developed to predict the effect of sequence changes on RNA splicing suggest that this variant may disrupt the consensus splice site. In summary, the currently available evidence indicates that the variant is pathogenic, but additional data are needed to prove that conclusively. Therefore, this variant has been classified as Likely Pathogenic.

Literature cited by the submitters: PubMed 16199547; PubMed 9452120; PubMed 15234147; PubMed 22665972.